The following is an entry in ClinVar:

NM_004863.4(SPTLC2):c.548G>A (p.Arg183Gln)

Gene: SPTLC2 (serine palmitoyltransferase long chain base subunit 2; minus strand). Cytogenetic location: 14q24.3.
Variant type: single nucleotide variant.
Coding change: c.548G>A on transcript NM_004863.4 (MANE Select); coding-DNA position 548, G replaced by A.
Protein change: p.Arg183Gln; replaces arginine 183 with glutamine.
Molecular consequence: missense variant.
Genome position (GRCh38, 1-based): chr14:77,576,850, C>T on the plus strand (G>A on the coding strand, the complement: SPTLC2 is on the minus strand). VCF-style: chr14-77576850-C-T. GRCh37 (hg19) VCF-style: chr14-78043193-C-T.
Other names: short protein forms R183Q.
Identifiers: ClinVar variation 1657143 (VCV001657143.10), dbSNP rs368865952, ClinGen allele CA7289425.

ClinVar aggregate classification (germline): Conflicting classifications of pathogenicity. Review status: criteria provided, conflicting classifications (1 of 4 stars). 2 submissions from 2 submitters: Uncertain significance (1); Likely benign (1). Last evaluated 2025-10-08.

Conditions:
Inborn genetic diseases. Identifiers: MedGen C0950123, MeSH D030342.
Neuropathy, hereditary sensory and autonomic, type 1C. Also called: HSAN IC; HSN IC. Identifiers: Orphanet 36386, MedGen C3150896, MONDO:0013337, OMIM 613640.

Allele frequency attached by ClinVar (database versions not stated): gnomAD exomes below 0.00001 and 0.00002; gnomAD 0.00001; TOPMed 0.00001; ExAC 0.00002; ESP Exome Variant Server 0.00008.
gnomAD v4.1: 36 of 1,614,022 alleles (0.0022%); highest among the groups gnomAD compares: Non-Finnish European, 0.0031%; no homozygotes.

Submissions (2):

Labcorp Genetics (formerly Invitae), Labcorp
Classification: Likely benign for Neuropathy, hereditary sensory and autonomic, type 1C. Last evaluated: 2025-10-08. Review status: criteria provided, single submitter. Criteria: Invitae Variant Classification Sherloc (09022015). Collection method: clinical testing. Allele origin: germline.

Ambry Genetics
Classification: Uncertain significance for Inborn genetic diseases. Last evaluated: 2019-12-29. Review status: criteria provided, single submitter. Criteria: Ambry Variant Classification Scheme 2023. Collection method: clinical testing. Allele origin: germline.
Comment: The p.R183Q variant (also known as c.548G>A), located in coding exon 4 of the SPTLC2 gene, results from a G to A substitution at nucleotide position 548. The arginine at codon 183 is replaced by glutamine, an amino acid with highly similar properties. This amino acid position is poorly conserved in available vertebrate species. In addition, this alteration is predicted to be tolerated by in silico analysis. Since supporting evidence is limited at this time, the clinical significance of this alteration remains unclear.